The following is an entry in ClinVar:

ClinVar aggregate classification (germline): Pathogenic (1 of 4 stars; one submission).

Allele frequency attached by ClinVar (database versions not stated): ExAC below 0.00001; gnomAD exomes below 0.00001.
gnomAD v4.1: 1 of 1,550,452 alleles (0.000064%); highest among the groups gnomAD compares: Non-Finnish European, 0.000087%; no homozygotes.

Submission:

GeneDx
Classification: Pathogenic. Last evaluated: 2017-08-04. Review status: criteria provided, single submitter. Criteria: GeneDx Variant Classification (06012015). Collection method: clinical testing. Allele origin: germline. Affected: yes.
Comment: The Q373X variant in the TSEN54 gene has not been reported previously as a pathogenic variant nor as a benign variant, to our knowledge. This variant is predicted to cause loss of normal protein function either through protein truncation or nonsense-mediated mRNA decay. The Q373X variant is not observed in large population cohorts (Lek et al., 2016; 1000 Genomes Consortium et al., 2015; Exome Variant Server). We interpret Q373X as a pathogenic variant.

NM_207346.3(TSEN54):c.1117C>T (p.Gln373Ter)

Gene: TSEN54 (tRNA splicing endonuclease subunit 54; plus strand). Cytogenetic location: 17q25.1.
Variant type: single nucleotide variant.
Coding change: c.1117C>T on transcript NM_207346.3 (MANE Select); coding-DNA position 1117, C replaced by T.
Protein change: p.Gln373Ter; replaces glutamine 373 with a stop codon.
Molecular consequence: nonsense.
Genome position (GRCh38, 1-based): chr17:75,522,198, C>T. VCF-style: chr17-75522198-C-T. GRCh37 (hg19) VCF-style: chr17-73518279-C-T.
Other names: short protein forms Q373*.
Identifiers: ClinVar variation 489043 (VCV000489043.2), dbSNP rs778884343, ClinGen allele CA8764354.